The following is an entry in ClinVar:

NM_003361.4(UMOD):c.380T>A (p.Val127Asp)

Gene: UMOD (uromodulin; minus strand). Cytogenetic location: 16p12.3.
Variant type: single nucleotide variant.
Coding change: c.380T>A on transcript NM_003361.4 (MANE Select); coding-DNA position 380, T replaced by A.
Protein change: p.Val127Asp; replaces valine 127 with aspartic acid.
Molecular consequence: missense variant. On other transcripts: non-coding transcript variant (1).
Genome position (GRCh38, 1-based): chr16:20,348,921, A>T on the plus strand (T>A on the coding strand, the complement: UMOD is on the minus strand). VCF-style: chr16-20348921-A-T. GRCh37 (hg19) VCF-style: chr16-20360243-A-T.
Other names: c.380T>A, p.Val127Asp (NM_001378237.1, NM_001008389.3, NM_001378232.1 and 3 more transcripts); c.479T>A, p.Val160Asp (NM_001278614.2); short protein forms V160D, V127D.
Identifiers: ClinVar variation 2722129 (VCV002722129.3), dbSNP rs2507389535, ClinGen allele CA394986168.
Genomic context (GRCh38, chr16:20,348,921, plus strand): 5'-TGCCATCCATCCCCCCGGTAGCCCGCGGGGCATACGCACAAGTAGCTGCCCACCACATTG[A>T]CACATGTGGCCAGGGCGTGGCAGTGGCTAAGCCCAGGCTCAGCGCACTCATCCACGTCTG-3'
Protein context (NP_003352.2, residues 117-137): LSHCHALATC[Val127Asp]NVVGSYLCVC

ClinVar aggregate classification (germline): Uncertain significance (1 of 4 stars; one submission).

Allele frequency attached by ClinVar (database versions not stated): gnomAD exomes below 0.00001.

Submission:

Labcorp Genetics (formerly Invitae), Labcorp
Classification: Uncertain significance. Last evaluated: 2023-11-27. Review status: criteria provided, single submitter. Criteria: Invitae Variant Classification Sherloc (09022015). Collection method: clinical testing. Allele origin: germline.
Comment: This sequence change replaces valine, which is neutral and non-polar, with aspartic acid, which is acidic and polar, at codon 127 of the UMOD protein (p.Val127Asp). This variant is not present in population databases (gnomAD no frequency). This variant has not been reported in the literature in individuals affected with UMOD-related conditions. Advanced modeling of protein sequence and biophysical properties (such as structural, functional, and spatial information, amino acid conservation, physicochemical variation, residue mobility, and thermodynamic stability) performed at Invitae indicates that this missense variant is not expected to disrupt UMOD protein function with a negative predictive value of 95%. In summary, the available evidence is currently insufficient to determine the role of this variant in disease. Therefore, it has been classified as a Variant of Uncertain Significance.